The following is an entry in ClinVar:

NM_003240.5(LEFTY2):c.1077C>T (p.Leu359=)

Gene: LEFTY2 (left-right determination factor 2; minus strand). Cytogenetic location: 1q42.12.
Variant type: single nucleotide variant.
Coding change: c.1077C>T on transcript NM_003240.5 (MANE Select); coding-DNA position 1077, C replaced by T.
Protein change: p.Leu359=; no amino-acid change (leucine 359 retained).
Molecular consequence: synonymous variant.
Genome position (GRCh38, 1-based): chr1:225,937,465, G>A on the plus strand (C>T on the coding strand, the complement: LEFTY2 is on the minus strand). VCF-style: chr1-225937465-G-A. GRCh37 (hg19) VCF-style: chr1-226125165-G-A.
Other names: c.975C>T, p.Leu325= (NM_001172425.3).
Identifiers: ClinVar variation 695459 (VCV000695459.13), dbSNP rs143844031, ClinGen allele CA1420403.
Genomic context (GRCh38, chr1:225,937,465, plus strand): 5'-CGTTCAGTTAGAGGGCTCAATGGATACACCAGGCGCCTATGGCTGGAGCCTCCTTGGCAC[G>A]AGCGCCCCATCCGAGGCACAGCTGCACTTCTGCACCCTCATGTTGGGCAGGCTGACCACC-3'
Protein context (NP_003231.2, residues 349-366): QKCSCASDGA[Leu359=]VPRRLQP

ClinVar aggregate classification (germline): Benign/Likely benign. Review status: criteria provided, multiple submitters, no conflicts (2 of 4 stars). 3 submissions from 3 submitters: Benign (1); Likely benign (2). Last evaluated 2025-06-09.

Conditions:
Left-right axis malformations. Identifiers: MedGen C1866091.

Allele frequency attached by ClinVar (database versions not stated): gnomAD 0.00021; gnomAD exomes 0.00023; TOPMed 0.00024; ESP Exome Variant Server 0.00054.
gnomAD v4.1: 405 of 1,613,818 alleles (0.025%); highest among the groups gnomAD compares: Non-Finnish European, 0.0089%; no homozygotes.

Submissions (3):

Labcorp Genetics (formerly Invitae), Labcorp
Classification: Benign for Left-right axis malformations. Last evaluated: 2025-06-09. Review status: criteria provided, single submitter. Criteria: Invitae Variant Classification Sherloc (09022015). Collection method: clinical testing. Allele origin: germline.

Blueprint Genetics
Classification: Likely benign. Last evaluated: 2024-11-22. Review status: criteria provided, single submitter. Criteria: ACMG Guidelines, 2015. Collection method: clinical testing. Allele origin: germline.

Illumina Laboratory Services, Illumina
Classification: Likely benign for Left-right axis malformations. Last evaluated: 2018-01-13. Review status: criteria provided, single submitter. Criteria: ICSL Variant Classification Criteria 13 December 2019. Collection method: clinical testing. Allele origin: germline.
Comment: This variant was observed in the ICSL laboratory as part of a predisposition screen in an ostensibly healthy population. It had not been previously curated by ICSL or reported in the Human Gene Mutation Database (HGMD: prior to June 1st, 2018), and was therefore a candidate for classification through an automated scoring system. Utilizing variant allele frequency, disease prevalence and penetrance estimates, and inheritance mode, an automated score was calculated to assess if this variant is too frequent to cause the disease. Based on the score and internal cut-off values, a variant classified as likely benign is not then subjected to further curation. The score for this variant resulted in a classification of likely benign for this disease.